The following is an entry in ClinVar:

ClinVar aggregate classification (germline): Uncertain significance (1 of 4 stars; one submission).

Submission:

Labcorp Genetics (formerly Invitae), Labcorp
Classification: Uncertain significance. Last evaluated: 2024-02-22. Review status: criteria provided, single submitter. Criteria: Invitae Variant Classification Sherloc (09022015). Collection method: clinical testing. Allele origin: germline.
Comment: This sequence change replaces proline, which is neutral and non-polar, with arginine, which is basic and polar, at codon 1006 of the ERBIN protein (p.Pro1006Arg). This variant is not present in population databases (gnomAD no frequency). This variant has not been reported in the literature in individuals affected with ERBIN-related conditions. An algorithm developed to predict the effect of missense changes on protein structure and function (PolyPhen-2) suggests that this variant is likely to be disruptive. In summary, the available evidence is currently insufficient to determine the role of this variant in disease. Therefore, it has been classified as a Variant of Uncertain Significance.

NM_001253697.2(ERBIN):c.3017C>G (p.Pro1006Arg)

Gene: ERBIN (erbb2 interacting protein; plus strand). Cytogenetic location: 5q12.3.
Variant type: single nucleotide variant.
Coding change: c.3017C>G on transcript NM_001253697.2 (MANE Select); coding-DNA position 3017, C replaced by G.
Protein change: p.Pro1006Arg; replaces proline 1006 with arginine.
Molecular consequence: missense variant.
Genome position (GRCh38, 1-based): chr5:66,054,335, C>G. VCF-style: chr5-66054335-C-G. GRCh37 (hg19) VCF-style: chr5-65350163-C-G.
Other names: c.3017C>G, p.Pro1006Arg (NM_001253698.2, NM_001253699.2, NM_018695.4 and 1 more transcripts); c.3005C>G, p.Pro1002Arg (NM_001253701.2); short protein forms P1002R, P1006R.
Identifiers: ClinVar variation 3642566 (VCV003642566.2).
Genomic context (GRCh38, chr5:66,054,335, plus strand): 5'-CAGTCAAAGACACTTTGTGGCACTCCAAACAAAATCCCCAAATAGACCATGCCAGTTTTC[C>G]TCCTCAGCTCCTTCCTAGATCAGAGAGCACAGAAAATCAAAGTTATGCTAAACATTCTGC-3'
Protein context (NP_001240626.1, residues 996-1016): QNPQIDHASF[Pro1006Arg]PQLLPRSEST